The following is an entry in ClinVar:

ClinVar aggregate classification (germline): Uncertain significance (1 of 4 stars; one submission).

Conditions:
Fructose-biphosphatase deficiency (FBP1D). Also called: Fructose-1,6-Diphosphatase Deficiency; Fructose 1,6 Bisphosphatase Deficiency; Fructose-1,6-Bisphosphatase 1 Deficiency. Identifiers: Orphanet 348, MedGen C0016756, MONDO:0009251, OMIM 229700.

Submission:

Labcorp Genetics (formerly Invitae), Labcorp
Classification: Uncertain significance for Fructose-biphosphatase deficiency. Last evaluated: 2021-08-15. Review status: criteria provided, single submitter. Criteria: Invitae Variant Classification Sherloc (09022015). Collection method: clinical testing. Allele origin: germline.
Comment: This variant results in a copy number gain of the genomic region encompassing exon(s) 4-7 of the FBP1 gene. This region includes the termination codon of the gene. This copy number gain extends beyond the assayed region for this gene and therefore may encompass additional genes. As the precise location of this event is unknown, it may be in tandem or it may be located elsewhere in the genome. This variant has not been reported in the literature in individuals affected with FBP1-related conditions. Experimental studies and prediction algorithms are not available or were not evaluated, and the functional significance of this variant is currently unknown. In summary, the available evidence is currently insufficient to determine the role of this variant in disease. Therefore, it has been classified as a Variant of Uncertain Significance.

NC_000009.11:g.(?_97365663)_(97372363_?)dup

Gene: FBP1 (fructose-bisphosphatase 1; minus strand). Cytogenetic location: 9q22.32.
Variant type: Duplication.
Identifiers: ClinVar variation 1481199 (VCV001481199.3).